The following is an entry in ClinVar:

ClinVar aggregate classification (germline): Conflicting classifications of pathogenicity. Review status: criteria provided, conflicting classifications (1 of 4 stars). 4 submissions from 4 submitters: Pathogenic (2); Likely pathogenic (1); Uncertain significance (1). Last evaluated 2023-11-09.

Conditions:
MMP13-related disorder. Also called: MMP13-related condition; MMP13-related disorders.

Allele frequency attached by ClinVar (database versions not stated): gnomAD exomes below 0.00001.

Submissions (4):

Blueprint Genetics
Classification: Uncertain significance. Last evaluated: 2023-11-09. Review status: criteria provided, single submitter. Criteria: ACMG Guidelines, 2015. Collection method: clinical testing. Allele origin: germline.

PreventionGenetics, part of Exact Sciences
Classification: Likely pathogenic for MMP13-related condition. Last evaluated: 2023-04-07. Review status: criteria provided, single submitter. Criteria: ACMG Guidelines, 2015. Collection method: clinical testing. Allele origin: germline.
Comment: The MMP13 c.772dupG variant is predicted to result in a frameshift and premature protein termination (p.Asp258Glyfs*14). To our knowledge, this variant has not been reported in the literature or in a large population database, indicating this variant is rare. Frameshift variants in MMP13 are expected to be pathogenic for autosomal recessive metaphyseal dysplasia (Table 1, Balasubramaniyan. 2019. PubMed ID: 3141305). This variant is interpreted as likely pathogenic for autosomal recessive metaphyseal dysplasia and as a variant of uncertain significance for autosomal dominant MMP13-associated disease.

GeneDx
Classification: Pathogenic. Last evaluated: 2016-09-29. Review status: criteria provided, single submitter. Criteria: GeneDx Variant Classification (06012015). Collection method: clinical testing. Allele origin: germline. Affected: yes.
Comment: The c.772dupG variant in the MMP13 gene has not been reported previously as a pathogenic variant nor as a benign variant, to our knowledge. The c.772dupG variant causes a frameshift starting with codon Aspartic Acid 258, changes this amino acid to a Glycine residue, and creates a premature Stop codon at position 14 of the new reading frame, denoted p.Asp258GlyfsX14. This variant is predicted to cause loss of normal protein function either through protein truncation or nonsense-mediated mRNA decay. The c.772dupG variant was not observed in approximately 6,500 individuals of European and African American ancestry in the NHLBI Exome Sequencing Project, indicating it is not a common benign variant in these populations. Based on currently available evidence, we interpret w.772dupG as a pathogenic variant.

Eurofins Ntd Llc (ga)
Classification: Pathogenic. Last evaluated: 2014-12-04. Review status: criteria provided, single submitter. Criteria: EGL Classification Definitions. Collection method: clinical testing. Allele origin: germline. Observed: 1 variant allele, 1 heterozygote.

NM_002427.4(MMP13):c.772dup (p.Asp258fs)

Gene: MMP13 (matrix metallopeptidase 13; minus strand). Cytogenetic location: 11q22.2.
Variant type: Duplication.
Coding change: c.772dup on transcript NM_002427.4 (MANE Select); coding-DNA position 772, one base duplicated (G; older notation c.772dupG).
Protein change: p.Asp258fs; shifts the reading frame from aspartic acid 258.
Molecular consequence: frameshift variant.
Genome position (GRCh38, 1-based): chr11:102,952,039, C duplicated on the plus strand (G on the coding strand, the reverse complement: MMP13 is on the minus strand). VCF-style (leftmost placement, unchanged base first): chr11-102952038-T-TC. GRCh37 (hg19) VCF-style: chr11-102822767-T-TC.
Other names: short protein forms D258fs.
Identifiers: ClinVar variation 197743 (VCV000197743.9), dbSNP rs797044754, ClinGen allele CA203057.
Genomic context (GRCh38, chr11:102,952,038, plus strand): 5'-AACTGATCATATTCTATTTCTATAACCGAGTTACCATAGAGAGACTGGATCCCTTGTACA[T>TC]CGTCATCAGGAAGCATAAAGTGGCTTTTGCCGGTGTAGGTGTAGATAGGAAACATGAGTG-3'